The following is an entry in ClinVar:

NM_000465.4(BARD1):c.1788A>C (p.Lys596Asn)

Gene: BARD1 (BRCA1 associated RING domain 1; minus strand). Cytogenetic location: 2q35.
Variant type: single nucleotide variant.
Coding change: c.1788A>C on transcript NM_000465.4 (MANE Select); coding-DNA position 1788, A replaced by C.
Protein change: p.Lys596Asn; replaces lysine 596 with asparagine.
Molecular consequence: missense variant. On other transcripts: non-coding transcript variant (3), intron variant (1).
Genome position (GRCh38, 1-based): chr2:214,745,744, T>G on the plus strand (A>C on the coding strand, the complement: BARD1 is on the minus strand). VCF-style: chr2-214745744-T-G. GRCh37 (hg19) VCF-style: chr2-215610468-T-G.
Other names: c.378A>C, p.Lys126Asn (NM_001282548.2); c.365-15236A>C (NM_001282549.2); c.1731A>C, p.Lys577Asn (NM_001282543.2); c.435A>C, p.Lys145Asn (NM_001282545.2); c.1788A>C (NM_000465.2); short protein forms K596N, K126N, K145N, K577N.
Identifiers: ClinVar variation 628467 (VCV000628467.4), dbSNP rs777084777, ClinGen allele CA350452599.
Genomic context (GRCh38, chr2:214,745,744, plus strand): 5'-TTTTTTCTACCCCACCTCCCAAAATTCAAAATCCTCACCTGTACTGTCAAACTCAGTATA[T>G]TTTTTAGCCTTAAGAATTACTGCAAGCTCACTGAGCATTTTCTGTTGTTCTGAAGACAGC-3'
Protein context (NP_000456.2, residues 586-606): SELAVILKAK[Lys596Asn]YTEFDSTVTH

ClinVar aggregate classification (germline): Uncertain significance. Review status: criteria provided, multiple submitters, no conflicts (2 of 4 stars). 2 submissions from 2 submitters: Uncertain significance (2). Last evaluated 2026-07-07.

Conditions:
Hereditary cancer-predisposing syndrome. Also called: Neoplastic Syndromes, Hereditary; Hereditary Cancer Syndrome; Hereditary neoplastic syndrome; Tumor predisposition. Identifiers: Orphanet 140162, MedGen C0027672, MeSH D009386, MONDO:0015356.

Submissions (2):

Ambry Genetics
Classification: Uncertain significance for Hereditary cancer-predisposing syndrome. Last evaluated: 2026-07-07. Review status: criteria provided, single submitter. Criteria: Ambry Variant Classification Scheme 2023. Collection method: clinical testing. Allele origin: germline.
Comment: The p.K596N variant (also known as c.1788A>C), located in coding exon 8 of the BARD1 gene, results from an A to C substitution at nucleotide position 1788. The lysine at codon 596 is replaced by asparagine, an amino acid with similar properties. This amino acid position is conserved. In addition, this alteration is predicted to be tolerated by in silico analysis. Based on the available evidence, the clinical significance of this variant remains unclear.

Color Diagnostics, LLC DBA Color Health
Classification: Uncertain significance for Hereditary cancer-predisposing syndrome. Last evaluated: 2019-06-24. Review status: criteria provided, single submitter. Criteria: ACMG Guidelines, 2015. Collection method: clinical testing. Allele origin: germline.